The following is an entry in ClinVar:

ClinVar aggregate classification (germline): Uncertain significance (1 of 4 stars; one submission).

Submission:

Labcorp Genetics (formerly Invitae), Labcorp
Classification: Uncertain significance. Last evaluated: 2022-08-23. Review status: criteria provided, single submitter. Criteria: Invitae Variant Classification Sherloc (09022015). Collection method: clinical testing. Allele origin: germline.
Comment: This variant has not been reported in the literature in individuals affected with GPC6-related conditions. In summary, the available evidence is currently insufficient to determine the role of this variant in disease. Therefore, it has been classified as a Variant of Uncertain Significance. Algorithms developed to predict the effect of missense changes on protein structure and function (SIFT, PolyPhen-2, Align-GVGD) all suggest that this variant is likely to be tolerated. ClinVar contains an entry for this variant (Variation ID: 1025320). This variant is not present in population databases (gnomAD no frequency). This sequence change replaces lysine, which is basic and polar, with arginine, which is basic and polar, at codon 475 of the GPC6 protein (p.Lys475Arg).

NM_005708.5(GPC6):c.1424A>G (p.Lys475Arg)

Gene: GPC6 (glypican 6; plus strand). Cytogenetic location: 13q31.3.
Variant type: single nucleotide variant.
Coding change: c.1424A>G on transcript NM_005708.5 (MANE Select); coding-DNA position 1424, A replaced by G.
Protein change: p.Lys475Arg; replaces lysine 475 with arginine.
Molecular consequence: missense variant.
Genome position (GRCh38, 1-based): chr13:94,398,600, A>G. VCF-style: chr13-94398600-A-G. GRCh37 (hg19) VCF-style: chr13-95050854-A-G.
Other names: short protein forms K475R.
Identifiers: ClinVar variation 1025320 (VCV001025320.6), dbSNP rs1880997990, ClinGen allele CA388373825.